The following is an entry in ClinVar:

ClinVar aggregate classification (germline): Uncertain significance (1 of 4 stars; one submission).

Allele frequency attached by ClinVar (database versions not stated): gnomAD exomes below 0.00001.
gnomAD v4.1: 1 of 1,613,546 alleles (0.000062%); highest among the groups gnomAD compares: Non-Finnish European, 0.000085%; no homozygotes.

Submission:

Labcorp Genetics (formerly Invitae), Labcorp
Classification: Uncertain significance. Last evaluated: 2025-05-28. Review status: criteria provided, single submitter. Criteria: Invitae Variant Classification Sherloc (09022015). Collection method: clinical testing. Allele origin: germline.
Comment: This sequence change falls in intron 23 of the COL4A1 gene. It does not directly change the encoded amino acid sequence of the COL4A1 protein. It affects a nucleotide within the consensus splice site. This variant is not present in population databases (gnomAD no frequency). This variant has not been reported in the literature in individuals affected with COL4A1-related conditions. ClinVar contains an entry for this variant (Variation ID: 1992087). Variants that disrupt the consensus splice site are a relatively common cause of aberrant splicing (PMID: 17576681, 9536098). Algorithms developed to predict the effect of sequence changes on RNA splicing suggest that this variant is not likely to affect RNA splicing. In summary, the available evidence is currently insufficient to determine the role of this variant in disease. Therefore, it has been classified as a Variant of Uncertain Significance.

Literature cited by the submitters: PubMed 17576681; PubMed 9536098.

NM_001845.6(COL4A1):c.1465+3A>G

Gene: COL4A1 (collagen type IV alpha 1 chain; minus strand). Cytogenetic location: 13q34.
Variant type: single nucleotide variant.
Coding change: c.1465+3A>G on transcript NM_001845.6 (MANE Select); 3 bases into the intron after coding-DNA position 1465, A replaced by G.
Molecular consequence: intron variant.
Genome position (GRCh38, 1-based): chr13:110,192,827, T>C on the plus strand (A>G on the coding strand, the complement: COL4A1 is on the minus strand). VCF-style: chr13-110192827-T-C. GRCh37 (hg19) VCF-style: chr13-110845174-T-C.
Other names: c.1465+3A>G (NM_001303110.2).
Identifiers: ClinVar variation 1992087 (VCV001992087.4), dbSNP rs2501540829, ClinGen allele CA2580087104.